The following is an entry in ClinVar:

NM_000081.4(LYST):c.9653_9654delinsTT (p.Gly3218Val)

Gene: LYST (lysosomal trafficking regulator; minus strand). Cytogenetic location: 1q42.3.
Variant type: Indel.
Coding change: c.9653_9654delinsTT on transcript NM_000081.4 (MANE Select); coding-DNA positions 9653 to 9654, GA replaced by TT.
Protein change: p.Gly3218Val; replaces glycine 3218 with valine.
Molecular consequence: missense variant.
Genome position (GRCh38, 1-based): chr1:235,715,331-235,715,332, TC replaced by AA on the plus strand (GA replaced by TT on the coding strand, the reverse complement: LYST is on the minus strand). VCF-style: chr1-235715331-TC-AA. GRCh37 (hg19) VCF-style: chr1-235878631-TC-AA.
Other names: c.9653_9654delGAinsTT (NM_000081.3); c.9653_9654delinsTT, p.Gly3218Val (NM_001301365.1); short protein forms G3218V.
Identifiers: ClinVar variation 655182 (VCV000655182.1), dbSNP rs2527406880, ClinGen allele CA915942056.

ClinVar aggregate classification (germline): Uncertain significance (1 of 4 stars; one submission).

Conditions:
Chédiak-Higashi syndrome (CHS). Also called: Chediak-Higashi Syndrome. Identifiers: Orphanet 167, MedGen C0007965, MONDO:0008963, OMIM 214500.

Submission:

Labcorp Genetics (formerly Invitae), Labcorp
Classification: Uncertain significance for ChÃ©diak-Higashi syndrome. Last evaluated: 2018-08-26. Review status: criteria provided, single submitter. Criteria: Invitae Variant Classification Sherloc (09022015). Collection method: clinical testing. Allele origin: germline.
Comment: This sequence change replaces glycine with valine at codon 3218 of the LYST protein (p.Gly3218Val). The glycine residue is moderately conserved and there is a moderate physicochemical difference between glycine and valine. This variant is not present in population databases (ExAC no frequency). This variant has not been reported in the literature in individuals with LYST-related disease. Algorithms developed to predict the effect of missense changes on protein structure and function are either unavailable or do not agree on the potential impact of this missense change (SIFT: "Deleterious"; PolyPhen-2: "Probably Damaging"; Align-GVGD: "Class C0"). In summary, the available evidence is currently insufficient to determine the role of this variant in disease. Therefore, it has been classified as a Variant of Uncertain Significance.